The following is an entry in ClinVar:

NM_000277.3(PAH):c.215_223del (p.Leu72_Asp75delinsTyr)

Gene: PAH (phenylalanine hydroxylase; minus strand). Cytogenetic location: 12q23.2.
Variant type: Deletion.
Coding change: c.215_223del on transcript NM_000277.3 (MANE Select); coding-DNA positions 215 to 223, 9 bases deleted (TAAAGAAAG; older notation c.215_223delTAAAGAAAG).
Protein change: p.Leu72_Asp75delinsTyr.
Molecular consequence: inframe indel.
Genome position (GRCh38, 1-based): chr12:102,894,864-102,894,872, CTTTCTTTA deleted on the plus strand (TAAAGAAAG on the coding strand, the reverse complement: PAH is on the minus strand). VCF-style (leftmost placement, unchanged base first): chr12-102894863-TCTTTCTTTA-T. GRCh37 (hg19) VCF-style: chr12-103288641-TCTTTCTTTA-T.
Other names: c.215_223del, p.Leu72_Asp75delinsTyr (NM_001354304.2).
Identifiers: ClinVar variation 1344578 (VCV001344578.4), dbSNP rs2136701938, ClinGen allele CA2573147904.
Genomic context (GRCh38, chr12:102,894,863, plus strand): 5'-ATGATGTTTGTCAGAGCAGGCAGGCTACGTTTATCCAAATGGGTGAAAAATTCATACTCA[TCTTTCTTTA>T]AACGAGAAGGTCTAGATTCAATGTGGGTCAGGTTTACATCATTCTCCTAGAAGAGAGAAT-3'

ClinVar aggregate classification (germline): Uncertain significance. Review status: criteria provided, multiple submitters, no conflicts (2 of 4 stars). 2 submissions from 2 submitters: Uncertain significance (2). Last evaluated 2025-12-28.

Conditions:
Phenylketonuria (PKU). Also called: Phenylketonuria (PKU); FOLLING DISEASE; OLIGOPHRENIA PHENYLPYRUVICA; Phenylketonurias. Identifiers: Orphanet 716, MedGen C0031485, MONDO:0009861, OMIM 261600. Disease mechanism: loss of function.

Submissions (2):

Myriad Genetics, Inc.
Classification: Uncertain significance for Phenylketonuria. Last evaluated: 2025-12-28. Review status: criteria provided, single submitter. Criteria: Myriad Autosomal Dominant, Autosomal Recessive and X-Linked Classification Criteria (2023). Collection method: clinical testing. Allele origin: unknown.
Comment: NM_000277.1(PAH):c.215_223del9(L72_D75delinsY) is an in-frame deletion classified as a variant of uncertain significance in the context of phenylalanine hydroxylase deficiency. L72_D75delinsY has been observed in a case with relevant disease (PMID: 35690318). Relevant functional assessments of this variant are not available in the literature. L72_D75delinsY has not been observed in referenced population frequency databases. In summary, there is insufficient evidence to classify NM_000277.1(PAH):c.215_223del9(L72_D75delinsY) as pathogenic or benign. Please note: this variant was assessed in the context of healthy population screening.

Molecular Genetics Laboratory, Mashhad University of Medical Sciences
Classification: Uncertain significance for Phenylketonuria. Last evaluated: 2020-06-01. Review status: criteria provided, single submitter. Criteria: ACMG Guidelines, 2015. Collection method: research. Allele origin: germline. Inheritance: Autosomal recessive inheritance. Affected: yes. Observed: 2 variant alleles, 3 homozygotes.

Literature cited by the submitters: PubMed 35690318 (cited by Myriad Genetics, Inc. and Molecular Genetics Laboratory, Mashhad University of Medical Sciences).